The following is an entry in ClinVar:

ClinVar aggregate classification (germline): Uncertain significance (1 of 4 stars; one submission).

Conditions:
GNAS-related disorder. Identifiers: MedGen CN380105.

gnomAD v4.1: 1 of 1,605,576 alleles (0.000062%); highest among the groups gnomAD compares: Non-Finnish European, 0.000085%; no homozygotes.

Submission:

PreventionGenetics, part of Exact Sciences
Classification: Uncertain significance for GNAS-related condition. Last evaluated: 2025-03-20. Review status: criteria provided, single submitter. Criteria: ACMG Guidelines, 2015. Collection method: clinical testing. Allele origin: germline.
Comment: The GNAS c.452A>G variant is predicted to result in the amino acid substitution p.Glu151Gly. In the more commonly reported transcript (NM_000516.5) this variant is pre-coding (c.-37823A>G). To our knowledge, this variant has not been reported in the literature or a large population database (gnomAD), indicating it is rare. This variant is reported in 0.0% of alleles in individuals of African descent in gnomAD. At this time, the clinical significance of this variant is uncertain due to the absence of conclusive functional and genetic evidence.

NM_080425.4(GNAS):c.639A>G (p.Arg213=)

Gene: GNAS (GNAS complex locus; plus strand). Cytogenetic location: 20q13.32.
Variant type: single nucleotide variant.
Coding change: c.639A>G on transcript NM_080425.4 (MANE Plus Clinical); coding-DNA position 639, A replaced by G.
Protein change: p.Arg213=; no amino-acid change (arginine 213 retained).
Molecular consequence: synonymous variant. On other transcripts: intron variant (3), missense variant (2).
Genome position (GRCh38, 1-based): chr20:58,853,904, A>G. VCF-style: chr20-58853904-A-G. GRCh37 (hg19) VCF-style: chr20-57428959-A-G.
Other names: c.-39+12029A>G (NM_001309861.2); c.452A>G, p.Glu151Gly (NM_001077490.3, NM_001309883.1); c.639A>G, p.Arg213= (NM_001410913.1); c.*42+13018A>G (NM_016592.5); c.43+13018A>G (NM_001410912.1); short protein forms E151G.
Identifiers: ClinVar variation 4977073 (VCV004977073.1).